The following is an entry in ClinVar:

ClinVar aggregate classification (germline): Uncertain significance. Review status: criteria provided, multiple submitters, no conflicts (2 of 4 stars). 4 submissions from 4 submitters: Uncertain significance (4). Last evaluated 2025-10-19.

Conditions:
Lethal congenital glycogen storage disease of heart. Also called: GLYCOGEN STORAGE DISEASE OF HEART; PHOSPHORYLASE KINASE DEFICIENCY OF HEART. Identifiers: Orphanet 439854, MedGen C1849813, MONDO:0009867, OMIM 261740.
Cardiomyopathy (CMYO). Also called: Cardiomyopathies. Identifiers: Orphanet 167848, MedGen C0878544, MONDO:0004994, HP:0001638. Inheritance: Various modes of inheritance.
Cardiovascular phenotype. Identifiers: MedGen CN230736.

Allele frequency attached by ClinVar (database versions not stated): gnomAD exomes 0.00001; ExAC 0.00002.
gnomAD v4.1: 11 of 1,613,816 alleles (0.00068%); highest among the groups gnomAD compares: South Asian, 0.0022%; no homozygotes.

Submissions (4):

Labcorp Genetics (formerly Invitae), Labcorp
Classification: Uncertain significance for Lethal congenital glycogen storage disease of heart. Last evaluated: 2025-10-19. Review status: criteria provided, single submitter. Criteria: Invitae Variant Classification Sherloc (09022015). Collection method: clinical testing. Allele origin: germline.
Comment: This sequence change replaces valine, which is neutral and non-polar, with isoleucine, which is neutral and non-polar, at codon 387 of the PRKAG2 protein (p.Val387Ile). This variant is present in population databases (rs778811623, gnomAD 0.002%). This variant has not been reported in the literature in individuals affected with PRKAG2-related conditions. ClinVar contains an entry for this variant (Variation ID: 2571300). Invitae Evidence Modeling of protein sequence and biophysical properties (such as structural, functional, and spatial information, amino acid conservation, physicochemical variation, residue mobility, and thermodynamic stability) indicates that this missense variant is not expected to disrupt PRKAG2 protein function with a negative predictive value of 95%. In summary, the available evidence is currently insufficient to determine the role of this variant in disease. Therefore, it has been classified as a Variant of Uncertain Significance.

Color Diagnostics, LLC DBA Color Health
Classification: Uncertain significance for Cardiomyopathy. Last evaluated: 2025-07-07. Review status: criteria provided, single submitter. Criteria: ACMG Guidelines, 2015. Collection method: clinical testing. Allele origin: germline.
Comment: This missense variant replaces valine with isoleucine at codon 387 of the PRKAG2 protein. Computational prediction is inconclusive regarding the impact of this variant on protein structure and function. To our knowledge, functional studies have not been reported for this variant. This variant has not been reported in individuals affected with PRKAG2-related disorders in the literature. This variant has been identified in 2/251422 chromosomes in the general population by the Genome Aggregation Database (gnomAD). The available evidence is insufficient to determine the role of this variant in disease conclusively. Therefore, this variant is classified as a Variant of Uncertain Significance.

Ambry Genetics
Classification: Uncertain significance for Cardiovascular phenotype. Last evaluated: 2024-10-24. Review status: criteria provided, single submitter. Criteria: Ambry Variant Classification Scheme 2023. Collection method: clinical testing. Allele origin: germline.

CeGaT Center for Human Genetics Tuebingen
Classification: Uncertain significance. Last evaluated: 2023-04-01. Review status: criteria provided, single submitter. Criteria: CeGaT Center For Human Genetics Tuebingen Variant Classification Criteria Version 2. Collection method: clinical testing. Allele origin: germline. Affected: yes. Observed: 1 variant allele.

NM_016203.4(PRKAG2):c.1159G>A (p.Val387Ile)

Gene: PRKAG2 (protein kinase AMP-activated non-catalytic subunit gamma 2; minus strand). Cytogenetic location: 7q36.1.
Variant type: single nucleotide variant.
Coding change: c.1159G>A on transcript NM_016203.4 (MANE Select); coding-DNA position 1159, G replaced by A.
Protein change: p.Val387Ile; replaces valine 387 with isoleucine.
Molecular consequence: missense variant.
Genome position (GRCh38, 1-based): chr7:151,568,790, C>T on the plus strand (G>A on the coding strand, the complement: PRKAG2 is on the minus strand). VCF-style: chr7-151568790-C-T. GRCh37 (hg19) VCF-style: chr7-151265876-C-T.
Other names: c.1027G>A, p.Val343Ile (NM_001040633.2, NM_001407024.1); c.784G>A, p.Val262Ile (NM_001304527.2, NM_001407029.1); c.436G>A, p.Val146Ile (NM_001304531.2, NM_001407034.1, NM_001407035.1 and 1 more transcripts); c.787G>A, p.Val263Ile (NM_001363698.2, NM_001407028.1); c.1159G>A, p.Val387Ile (NM_001407021.1); c.1156G>A, p.Val386Ile (NM_001407022.1, NM_001407023.1); c.1024G>A, p.Val342Ile (NM_001407026.1, NM_001407027.1); c.871G>A, p.Val291Ile (NM_001407030.1); and 7 more; short protein forms V145I, V146I, V162I, V166I, V262I, V263I, V279I, V281I.
Identifiers: ClinVar variation 2571300 (VCV002571300.31), dbSNP rs778811623, ClinGen allele CA054308.
Genomic context (GRCh38, chr7:151,568,790, plus strand): 5'-ACTTGAGGATTCTTTTGTGGGTAAGTATATAAAGTGCATTCCCACTGATAGGGTCAATAA[C>T]GGGCAATCTGTGGATTTTATTTTTGATCAAGGAGTATACAGCATCGAAGAGGCTGTGGGA-3'
Protein context (NP_057287.2, residues 377-397): LIKNKIHRLP[Val387Ile]IDPISGNALY